The following is an entry in ClinVar:

NM_000090.4(COL3A1):c.2333A>T (p.Asp778Val)

Gene: COL3A1 (collagen type III alpha 1 chain; plus strand). Cytogenetic location: 2q32.2.
Variant type: single nucleotide variant.
Coding change: c.2333A>T on transcript NM_000090.4 (MANE Select); coding-DNA position 2333, A replaced by T.
Protein change: p.Asp778Val; replaces aspartic acid 778 with valine.
Molecular consequence: missense variant.
Genome position (GRCh38, 1-based): chr2:189,001,446, A>T. VCF-style: chr2-189001446-A-T. GRCh37 (hg19) VCF-style: chr2-189866172-A-T.
Other names: short protein forms D778V.
Identifiers: ClinVar variation 3634098 (VCV003634098.2).

ClinVar aggregate classification (germline): Uncertain significance (1 of 4 stars; one submission).

Conditions:
Ehlers-Danlos syndrome, type 4 (EDSVASC). Also called: Ehlers-Danlos syndrome vascular type; Ehlers Danlos syndrome, ecchymotic type; Ehlers Danlos syndrome, arterial type; Ehlers Danlos syndrome, Sack-Barabas type; Ehlers-Danlos Syndrome Type IV. Identifiers: Orphanet 286, MedGen C0268338, MONDO:0017314, OMIM 130050.

Submission:

Labcorp Genetics (formerly Invitae), Labcorp
Classification: Uncertain significance for Ehlers-Danlos syndrome, type 4. Last evaluated: 2024-11-21. Review status: criteria provided, single submitter. Criteria: Invitae Variant Classification Sherloc (09022015). Collection method: clinical testing. Allele origin: germline.
Comment: This sequence change replaces aspartic acid, which is acidic and polar, with valine, which is neutral and non-polar, at codon 778 of the COL3A1 protein (p.Asp778Val). This variant is not present in population databases (gnomAD no frequency). This variant has not been reported in the literature in individuals affected with COL3A1-related conditions. Invitae Evidence Modeling of protein sequence and biophysical properties (such as structural, functional, and spatial information, amino acid conservation, physicochemical variation, residue mobility, and thermodynamic stability) has been performed for this missense variant. However, the output from this modeling did not meet the statistical confidence thresholds required to predict the impact of this variant on COL3A1 protein function. In summary, the available evidence is currently insufficient to determine the role of this variant in disease. Therefore, it has been classified as a Variant of Uncertain Significance.